The following is an entry in ClinVar:

ClinVar aggregate classification (germline): Benign/Likely benign. Review status: criteria provided, multiple submitters, no conflicts (2 of 4 stars). 3 submissions from 3 submitters: Benign (1); Likely benign (1). 1 of the submissions does not count toward it. Last evaluated 2026-01-21.

Conditions:
NOTCH2-related disorder. Also called: NOTCH2-related condition.
Hajdu-Cheney syndrome (HJCYS). Also called: ACROOSTEOLYSIS WITH OSTEOPOROSIS AND CHANGES IN SKULL AND MANDIBLE; SERPENTINE FIBULA-POLYCYSTIC KIDNEY SYNDROME; Acroosteolysis dominant type. Identifiers: Orphanet 955, MedGen C0917715, MONDO:0007057, OMIM 102500.
Alagille syndrome due to a NOTCH2 point mutation. Also called: Alagille syndrome 2. Identifiers: Orphanet 261629, Orphanet 52, MedGen C1857761, MONDO:0012439, OMIM 610205.

Allele frequency attached by ClinVar (database versions not stated): gnomAD 0.00004; TOPMed 0.00005; ExAC 0.00008; gnomAD exomes 0.00010.
gnomAD v4.1: 33 of 1,610,682 alleles (0.002%); highest among the groups gnomAD compares: Admixed American, 0.053%; 1 homozygote.

Submissions (3):

Labcorp Genetics (formerly Invitae), Labcorp
Classification: Benign for Hajdu-Cheney syndrome. Last evaluated: 2026-01-21. Review status: criteria provided, single submitter. Criteria: Invitae Variant Classification Sherloc (09022015). Collection method: clinical testing. Allele origin: germline.

Fulgent Genetics
Classification: Likely benign for Hajdu-Cheney syndrome; Alagille syndrome due to a NOTCH2 point mutation. Last evaluated: 2022-03-25. Review status: criteria provided, single submitter. Criteria: ACMG Guidelines, 2015. Collection method: clinical testing. Allele origin: unknown.

PreventionGenetics, part of Exact Sciences
Classification: Likely benign for NOTCH2-related condition. Last evaluated: 2022-02-10. Review status: no assertion criteria provided. Collection method: clinical testing. Allele origin: germline. Not counted in ClinVar's aggregate classification.
Comment: This variant is classified as likely benign based on ACMG/AMP sequence variant interpretation guidelines (Richards et al. 2015 PMID: 25741868, with internal and published modifications).

NM_024408.4(NOTCH2):c.5217T>C (p.Asn1739=)

Gene: NOTCH2 (notch receptor 2; minus strand). Cytogenetic location: 1p12.
Variant type: single nucleotide variant.
Coding change: c.5217T>C on transcript NM_024408.4 (MANE Select); coding-DNA position 5217, T replaced by C.
Protein change: p.Asn1739=; no amino-acid change (asparagine 1739 retained).
Molecular consequence: synonymous variant.
Genome position (GRCh38, 1-based): chr1:119,921,806, A>G on the plus strand (T>C on the coding strand, the complement: NOTCH2 is on the minus strand). VCF-style: chr1-119921806-A-G. GRCh37 (hg19) VCF-style: chr1-120464429-A-G.
Other names: c.5217T>C (NM_024408.3).
Identifiers: ClinVar variation 1590104 (VCV001590104.12), dbSNP rs768669808, ClinGen allele CA1039687.